The following is an entry in ClinVar:

NM_000553.6(WRN):c.3560T>G (p.Met1187Arg)

Gene: WRN (WRN RecQ like helicase; plus strand). Cytogenetic location: 8p12.
Variant type: single nucleotide variant.
Coding change: c.3560T>G on transcript NM_000553.6 (MANE Select); coding-DNA position 3560, T replaced by G.
Protein change: p.Met1187Arg; replaces methionine 1187 with arginine.
Molecular consequence: missense variant.
Genome position (GRCh38, 1-based): chr8:31,147,464, T>G. VCF-style: chr8-31147464-T-G. GRCh37 (hg19) VCF-style: chr8-31004980-T-G.
Other names: short protein forms M1187R.
Identifiers: ClinVar variation 1721691 (VCV001721691.5), dbSNP rs2536043406, ClinGen allele CA370926123.
Genomic context (GRCh38, chr8:31,147,464, plus strand): 5'-ATGCCAATAAAATGGATGTTCCCCCAGCTATTCTGGCAACAAACAAGATACTGGTGGATA[T>G]GGCCAAAATGAGGTAAACTATCTTTTGCATGTGTTCTATTTATTTCCTTCTAACAAAATA-3'
Protein context (NP_000544.2, residues 1177-1197): ILATNKILVD[Met1187Arg]AKMRPTTVEN

ClinVar aggregate classification (germline): Uncertain significance (1 of 4 stars; one submission).

Conditions:
Werner syndrome (WRN). Identifiers: Orphanet 902, MedGen C0043119, MONDO:0010196, OMIM 277700.

Submission:

Labcorp Genetics (formerly Invitae), Labcorp
Classification: Uncertain significance for Werner syndrome. Last evaluated: 2022-10-18. Review status: criteria provided, single submitter. Criteria: Invitae Variant Classification Sherloc (09022015). Collection method: clinical testing. Allele origin: germline.
Comment: In summary, the available evidence is currently insufficient to determine the role of this variant in disease. Therefore, it has been classified as a Variant of Uncertain Significance. Algorithms developed to predict the effect of missense changes on protein structure and function are either unavailable or do not agree on the potential impact of this missense change (SIFT: "Not Available"; PolyPhen-2: "Probably Damaging"; Align-GVGD: "Not Available"). This variant has not been reported in the literature in individuals affected with WRN-related conditions. This variant is not present in population databases (gnomAD no frequency). This sequence change replaces methionine, which is neutral and non-polar, with arginine, which is basic and polar, at codon 1187 of the WRN protein (p.Met1187Arg).